The following is an entry in ClinVar:

NM_153717.3(EVC):c.1895G>C (p.Arg632Pro)

Gene: EVC (EvC ciliary complex subunit 1; plus strand). Cytogenetic location: 4p16.2.
Variant type: single nucleotide variant.
Coding change: c.1895G>C on transcript NM_153717.3 (MANE Select); coding-DNA position 1895, G replaced by C.
Protein change: p.Arg632Pro; replaces arginine 632 with proline.
Molecular consequence: missense variant.
Genome position (GRCh38, 1-based): chr4:5,797,030, G>C. VCF-style: chr4-5797030-G-C. GRCh37 (hg19) VCF-style: chr4-5798757-G-C.
Other names: c.1895G>C, p.Arg632Pro (NM_001306090.2); short protein forms R632P.
Identifiers: ClinVar variation 1464567 (VCV001464567.9), dbSNP rs535632933, ClinGen allele CA356143684.
Genomic context (GRCh38, chr4:5,797,030, plus strand): 5'-GCTTCGTGAAGCCAAGAGCATTGACCCCACCCCTCACCTGCTTTCCTCAAAGGTCCACGC[G>C]GTGTGTCCTGCAGGGGCATGACCTGCTGTTGCGCTCAGCCCTCCGGAGGCTGGCACTCCG-3'
Protein context (NP_714928.1, residues 622-642): RLGGLTEEST[Arg632Pro]CVLQGHDLLL

ClinVar aggregate classification (germline): Uncertain significance (1 of 4 stars; one submission).

Conditions:
Ellis-van Creveld syndrome (EVC). Also called: Chondroectodermal dysplasia; MESOECTODERMAL DYSPLASIA; EVC-Related Ellis-van Creveld Syndrome; EVC2-Related Ellis-van Creveld Syndrome. Identifiers: Orphanet 289, MedGen C0013903, MONDO:0009162, OMIM 225500.
Curry-Hall syndrome (WAD). Also called: WEYERS ACRODENTAL DYSOSTOSIS. Identifiers: Orphanet 952, MedGen C0457013, MONDO:0008673, OMIM 193530.

gnomAD v4.1: 5 of 1,612,660 alleles (0.00031%); highest among the groups gnomAD compares: Non-Finnish European, 0.00042%; no homozygotes.

Submission:

Labcorp Genetics (formerly Invitae), Labcorp
Classification: Uncertain significance for Curry-Hall syndrome; Ellis-van Creveld syndrome. Last evaluated: 2021-04-09. Review status: criteria provided, single submitter. Criteria: Invitae Variant Classification Sherloc (09022015). Collection method: clinical testing. Allele origin: germline.
Comment: In summary, the available evidence is currently insufficient to determine the role of this variant in disease. Therefore, it has been classified as a Variant of Uncertain Significance. Algorithms developed to predict the effect of missense changes on protein structure and function are either unavailable or do not agree on the potential impact of this missense change (SIFT: "Tolerated"; PolyPhen-2: "Possibly Damaging"; Align-GVGD: "Class C0"). This variant has not been reported in the literature in individuals with EVC-related conditions. This variant is not present in population databases (ExAC no frequency). This sequence change replaces arginine with proline at codon 632 of the EVC protein (p.Arg632Pro). The arginine residue is weakly conserved and there is a moderate physicochemical difference between arginine and proline.